The following is an entry in ClinVar:

ClinVar aggregate classification (germline): Uncertain significance. Review status: criteria provided, multiple submitters, no conflicts (2 of 4 stars). 2 submissions from 2 submitters: Uncertain significance (2). Last evaluated 2023-07-25.

Conditions:
Majeed syndrome (MJDS). Also called: LPIN2-Related Majeed Syndrome; CHRONIC RECURRENT MULTIFOCAL OSTEOMYELITIS 1, WITH CONGENITAL DYSERYTHROPOIETIC ANEMIA, WITH OR WITHOUT NEUTROPHILIC DERMATOSIS. Identifiers: Orphanet 77297, MedGen C1864997, MONDO:0012316, OMIM 609628.

Allele frequency attached by ClinVar (database versions not stated): gnomAD exomes 0.00001 and 0.00002; ExAC 0.00003; ESP Exome Variant Server 0.00008; TOPMed 0.00008; gnomAD 0.00009 and 0.00010.
gnomAD v4.1: 28 of 1,613,852 alleles (0.0017%); highest among the groups gnomAD compares: African/African-American, 0.027%; no homozygotes.

Submissions (2):

Revvity Omics, Revvity
Classification: Uncertain significance for Majeed syndrome. Last evaluated: 2023-07-25. Review status: criteria provided, single submitter. Criteria: ACMG Guidelines, 2015. Collection method: clinical testing. Allele origin: germline.

Labcorp Genetics (formerly Invitae), Labcorp
Classification: Uncertain significance for Majeed syndrome. Last evaluated: 2022-08-19. Review status: criteria provided, single submitter. Criteria: Invitae Variant Classification Sherloc (09022015). Collection method: clinical testing. Allele origin: germline.
Comment: This sequence change falls in intron 2 of the LPIN2 gene. It does not directly change the encoded amino acid sequence of the LPIN2 protein. It affects a nucleotide within the consensus splice site. This variant is present in population databases (rs377113126, gnomAD 0.04%). This variant has not been reported in the literature in individuals affected with LPIN2-related conditions. ClinVar contains an entry for this variant (Variation ID: 1472872). Variants that disrupt the consensus splice site are a relatively common cause of aberrant splicing (PMID: 17576681, 9536098). Algorithms developed to predict the effect of sequence changes on RNA splicing suggest that this variant is not likely to affect RNA splicing. In summary, the available evidence is currently insufficient to determine the role of this variant in disease. Therefore, it has been classified as a Variant of Uncertain Significance.

Literature cited by the submitters: PubMed 17576681 (cited by Labcorp Genetics (formerly Invitae), Labcorp); PubMed 9536098 (cited by Labcorp Genetics (formerly Invitae), Labcorp).

NM_001375808.2(LPIN2):c.192+3G>A

Gene: LPIN2 (lipin 2; minus strand). Cytogenetic location: 18p11.31.
Variant type: single nucleotide variant.
Coding change: c.192+3G>A on transcript NM_001375808.2 (MANE Select); 3 bases into the intron after coding-DNA position 192, G replaced by A.
Molecular consequence: intron variant.
Genome position (GRCh38, 1-based): chr18:2,960,646, C>T on the plus strand (G>A on the coding strand, the complement: LPIN2 is on the minus strand). VCF-style: chr18-2960646-C-T. GRCh37 (hg19) VCF-style: chr18-2960644-C-T.
Other names: c.192+3G>A (NM_014646.2, NM_001375809.1).
Identifiers: ClinVar variation 1472872 (VCV001472872.7), dbSNP rs377113126, ClinGen allele CA8873635.
Genomic context (GRCh38, chr18:2,960,646, plus strand): 5'-GGACACTCACTCACTTTCTCTTTGAATCTCAGGATGACTTTTCCTCTCCTTGAGGACACT[C>T]ACCACTTTCTCTTTGGATCTCAGGACTCCCAGCTTTCCAAACCGAACGTGAAAAGGTGAA-3'